The following is an entry in ClinVar:

NM_144997.7(FLCN):c.1691A>T (p.His564Leu)

Gene: FLCN (folliculin; minus strand). Cytogenetic location: 17p11.2.
Variant type: single nucleotide variant.
Coding change: c.1691A>T on transcript NM_144997.7 (MANE Select); coding-DNA position 1691, A replaced by T.
Protein change: p.His564Leu; replaces histidine 564 with leucine.
Molecular consequence: missense variant.
Genome position (GRCh38, 1-based): chr17:17,213,704, T>A on the plus strand (A>T on the coding strand, the complement: FLCN is on the minus strand). VCF-style: chr17-17213704-T-A. GRCh37 (hg19) VCF-style: chr17-17117018-T-A.
Other names: c.1745A>T, p.His582Leu (NM_001353229.2); c.1691A>T, p.His564Leu (NM_001353230.2, NM_001353231.2); short protein forms H564L, H582L.
Identifiers: ClinVar variation 1778140 (VCV001778140.2), dbSNP rs2544122044, ClinGen allele CA398529840.

ClinVar aggregate classification (germline): Uncertain significance (1 of 4 stars; one submission).

Conditions:
Hereditary cancer-predisposing syndrome. Also called: Neoplastic Syndromes, Hereditary; Tumor predisposition; Hereditary Cancer Syndrome; Hereditary neoplastic syndrome. Identifiers: Orphanet 140162, MedGen C0027672, MeSH D009386, MONDO:0015356.

Submission:

Ambry Genetics
Classification: Uncertain significance for Hereditary cancer-predisposing syndrome. Last evaluated: 2021-04-05. Review status: criteria provided, single submitter. Criteria: Ambry Variant Classification Scheme 2023. Collection method: clinical testing. Allele origin: germline.
Comment: The p.H564L variant (also known as c.1691A>T), located in coding exon 11 of the FLCN gene, results from an A to T substitution at nucleotide position 1691. The histidine at codon 564 is replaced by leucine, an amino acid with similar properties. This amino acid position is highly conserved in available vertebrate species. In addition, this alteration is predicted to be deleterious by in silico analysis. Since supporting evidence is limited at this time, the clinical significance of this alteration remains unclear.